The following is an entry in ClinVar:

ClinVar aggregate classification (germline): Uncertain significance (1 of 4 stars; one submission).

Conditions:
Cardiovascular phenotype. Identifiers: MedGen CN230736.

gnomAD v4.1: 2 of 1,614,122 alleles (0.00012%); highest among the groups gnomAD compares: Middle Eastern, 0.016%; no homozygotes.

Submission:

Ambry Genetics
Classification: Uncertain significance for Cardiovascular phenotype. Last evaluated: 2024-12-08. Review status: criteria provided, single submitter. Criteria: Ambry Variant Classification Scheme 2023. Collection method: clinical testing. Allele origin: germline.
Comment: The p.S289F variant (also known as c.866C>T), located in coding exon 3 of the BAG3 gene, results from a C to T substitution at nucleotide position 866. The serine at codon 289 is replaced by phenylalanine, an amino acid with highly dissimilar properties. This amino acid position is conserved. In addition, this alteration is predicted to be tolerated by in silico analysis. Based on the available evidence, the clinical significance of this variant remains unclear.

NM_004281.4(BAG3):c.866C>T (p.Ser289Phe)

Gene: BAG3 (BAG cochaperone 3; plus strand). Cytogenetic location: 10q26.11.
Variant type: single nucleotide variant.
Coding change: c.866C>T on transcript NM_004281.4 (MANE Select); coding-DNA position 866, C replaced by T.
Protein change: p.Ser289Phe; replaces serine 289 with phenylalanine.
Molecular consequence: missense variant.
Genome position (GRCh38, 1-based): chr10:119,672,613, C>T. VCF-style: chr10-119672613-C-T. GRCh37 (hg19) VCF-style: chr10-121432125-C-T.
Other names: short protein forms S289F.
Identifiers: ClinVar variation 3474906 (VCV003474906.1).
Genomic context (GRCh38, chr10:119,672,613, plus strand): 5'-CTGTCCAGGGTGCATCGAGCCGGGAGGGCTCACCAGCCAGGAGCAGCACGCCACTCCACT[C>T]CCCCTCGCCCATCCGTGTGCACACCGTGGTCGACAGGCCTCAGGTACGGGAAGTTAGTCG-3'
Protein context (NP_004272.2, residues 279-299): SPARSSTPLH[Ser289Phe]PSPIRVHTVV